The following is an entry in ClinVar:

NM_002016.2(FLG):c.982C>T (p.Gln328Ter)

Genes: CCDST (cervical cancer associated DHX9 suppressive transcript; plus strand), FLG (filaggrin; minus strand). Cytogenetic location: 1q21.3.
Variant type: single nucleotide variant.
Coding change: c.982C>T on transcript NM_002016.2 (MANE Select); coding-DNA position 982, C replaced by T.
Protein change: p.Gln328Ter; replaces glutamine 328 with a stop codon.
Molecular consequence: nonsense. On other transcripts: non-coding transcript variant (1).
Genome position (GRCh38, 1-based): chr1:152,313,904, G>A on the plus strand (C>T on the coding strand, the complement: FLG is on the minus strand). VCF-style: chr1-152313904-G-A. GRCh37 (hg19) VCF-style: chr1-152286380-G-A.
Other names: short protein forms Q328*.
Identifiers: ClinVar variation 4885210 (VCV004885210.2).

ClinVar aggregate classification (germline): Likely pathogenic (1 of 4 stars; one submission).

gnomAD v4.1: 3 of 1,614,028 alleles (0.00019%); highest among the groups gnomAD compares: East Asian, 0.0022%; no homozygotes.

Submission:

Dasa
Classification: Likely pathogenic. Last evaluated: 2026-03-09. Review status: criteria provided, single submitter. Criteria: DASA Assertion Criteria. Collection method: clinical testing. Allele origin: germline.
Comment: NM_002016.2(FLG):c.982C>T (p.Gln328*) is a nonsense variant in FLG predicted to introduce a premature termination codon and is predicted to result in an absent or altered protein product. Loss of function is an established disease mechanism for FLG (PMID: 16444271; PMID: 27793761; PMID: 27667308). Also, this variant is rare in population databases. Based on the currently available evidence, this variant is classified as likely pathogenic.

Literature cited by the submitters: PubMed 16444271; PubMed 27793761; PubMed 27667308.